The following is an entry in ClinVar:

ClinVar aggregate classification (germline): Uncertain significance (1 of 4 stars; one submission).

Conditions:
Long QT syndrome (LQTS). Identifiers: MedGen C0023976, MeSH D008133, MONDO:0002442. Disease mechanism: loss of function. Inheritance: Various modes of inheritance.

Submission:

Labcorp Genetics (formerly Invitae), Labcorp
Classification: Uncertain significance for Long QT syndrome. Last evaluated: 2021-07-05. Review status: criteria provided, single submitter. Criteria: Invitae Variant Classification Sherloc (09022015). Collection method: clinical testing. Allele origin: germline.
Comment: This sequence change replaces glycine with aspartic acid at codon 158 of the KCNH2 protein (p.Gly158Asp). The glycine residue is weakly conserved and there is a moderate physicochemical difference between glycine and aspartic acid. In summary, the available evidence is currently insufficient to determine the role of this variant in disease. Therefore, it has been classified as a Variant of Uncertain Significance. Algorithms developed to predict the effect of missense changes on protein structure and function (SIFT, PolyPhen-2, Align-GVGD) all suggest that this variant is likely to be tolerated. This variant has not been reported in the literature in individuals affected with KCNH2-related conditions. The frequency data for this variant in the population databases is considered unreliable, as metrics indicate insufficient coverage at this position in the ExAC database.

NM_000238.4(KCNH2):c.473G>A (p.Gly158Asp)

Gene: KCNH2 (potassium voltage-gated channel subfamily H member 2; minus strand). Cytogenetic location: 7q36.1.
Variant type: single nucleotide variant.
Coding change: c.473G>A on transcript NM_000238.4 (MANE Select); coding-DNA position 473, G replaced by A.
Protein change: p.Gly158Asp; replaces glycine 158 with aspartic acid.
Molecular consequence: missense variant.
Genome position (GRCh38, 1-based): chr7:150,958,502, C>T on the plus strand (G>A on the coding strand, the complement: KCNH2 is on the minus strand). VCF-style: chr7-150958502-C-T. GRCh37 (hg19) VCF-style: chr7-150655590-C-T.
Other names: c.185G>A, p.Gly62Asp (NM_001406753.1, NM_001406756.1); c.296G>A, p.Gly99Asp (NM_001406755.1); c.173G>A, p.Gly58Asp (NM_001406757.1); c.473G>A, p.Gly158Asp (NM_172056.3); short protein forms G158D, G58D, G62D, G99D.
Identifiers: ClinVar variation 1367997 (VCV001367997.9), dbSNP rs2117007305, ClinGen allele CA369863576.
Genomic context (GRCh38, chr7:150,958,502, plus strand): 5'-GACTCCCGGGCCGTCAGCGCCAGCAGCGCGGGCAGCTTCAGGCGGAAGGTCTTGGCGCGG[C>T]CTGCGGGAGAGGAGAGGCACGTGGTCGTGGGGATCGCGAGCAGCCCCGGAGCGGGCAAGG-3'
Protein context (NP_000229.1, residues 148-168): RGPPTSWLAP[Gly158Asp]RAKTFRLKLP